The following is an entry in ClinVar:

NM_001206927.2(DNAH8):c.3184C>T (p.Gln1062Ter)

Gene: DNAH8 (dynein axonemal heavy chain 8; plus strand). Cytogenetic location: 6p21.2.
Variant type: single nucleotide variant.
Coding change: c.3184C>T on transcript NM_001206927.2 (MANE Select); coding-DNA position 3184, C replaced by T.
Protein change: p.Gln1062Ter; replaces glutamine 1062 with a stop codon.
Molecular consequence: nonsense.
Genome position (GRCh38, 1-based): chr6:38,807,643, C>T. VCF-style: chr6-38807643-C-T. GRCh37 (hg19) VCF-style: chr6-38775419-C-T.
Other names: c.2533C>T, p.Gln845Ter (NM_001371.4); short protein forms Q1062*, Q845*.
Identifiers: ClinVar variation 2976773 (VCV002976773.3), dbSNP rs1771404948, ClinGen allele CA363996468.

ClinVar aggregate classification (germline): Pathogenic (1 of 4 stars; one submission).

Conditions:
Primary ciliary dyskinesia. Also called: Ciliary dyskinesia. Identifiers: Orphanet 244, MedGen C0008780, MONDO:0016575, HP:0012265.

Allele frequency attached by ClinVar (database versions not stated): TOPMed below 0.00001.

Submission:

Labcorp Genetics (formerly Invitae), Labcorp
Classification: Pathogenic for Primary ciliary dyskinesia. Last evaluated: 2023-03-27. Review status: criteria provided, single submitter. Criteria: Invitae Variant Classification Sherloc (09022015). Collection method: clinical testing. Allele origin: germline.
Comment: This variant is not present in population databases (gnomAD no frequency). For these reasons, this variant has been classified as Pathogenic. Algorithms developed to predict the effect of sequence changes on RNA splicing suggest that this variant may disrupt the consensus splice site. This variant has not been reported in the literature in individuals affected with DNAH8-related conditions. This sequence change creates a premature translational stop signal (p.Gln1062*) in the DNAH8 gene. It is expected to result in an absent or disrupted protein product. Loss-of-function variants in DNAH8 are known to be pathogenic (PMID: 24307375, 32619401, 32681648).

Literature cited by the submitters: PubMed 24307375; PubMed 32619401; PubMed 32681648.